The following is an entry in ClinVar:

NM_005612.5(REST):c.2416C>T (p.His806Tyr)

Gene: REST (RE1 silencing transcription factor; plus strand). Cytogenetic location: 4q12.
Variant type: single nucleotide variant.
Coding change: c.2416C>T on transcript NM_005612.5 (MANE Select); coding-DNA position 2416, C replaced by T.
Protein change: p.His806Tyr; replaces histidine 806 with tyrosine.
Molecular consequence: missense variant.
Genome position (GRCh38, 1-based): chr4:56,931,274, C>T. VCF-style: chr4-56931274-C-T. GRCh37 (hg19) VCF-style: chr4-57797440-C-T.
Other names: c.2416C>T, p.His806Tyr (NM_001193508.2, NM_001363453.3); short protein forms H806Y.
Identifiers: ClinVar variation 1444910 (VCV001444910.6), dbSNP rs755818796, ClinGen allele CA357008730.
Genomic context (GRCh38, chr4:56,931,274, plus strand): 5'-GGGGTGGTTCAGAAGGAGCCTGCTCAGAGGGAGCCACCTCCTCCCAGAGAGCCTCCCCTT[C>T]ACATGGAGCCAATTTCCAAAAAGCCTCCTCTCCGAAAAGATAAAAAGGAAAAGTCTAACA-3'
Protein context (NP_005603.3, residues 796-816): EPPPPREPPL[His806Tyr]MEPISKKPPL

ClinVar aggregate classification (germline): Uncertain significance (1 of 4 stars; one submission).

gnomAD v4.1: 1 of 1,614,228 alleles (0.000062%); highest among the groups gnomAD compares: African/African-American, 0.0013%; no homozygotes.

Submission:

Labcorp Genetics (formerly Invitae), Labcorp
Classification: Uncertain significance. Last evaluated: 2023-10-13. Review status: criteria provided, single submitter. Criteria: Invitae Variant Classification Sherloc (09022015). Collection method: clinical testing. Allele origin: germline.
Comment: This sequence change replaces histidine, which is basic and polar, with tyrosine, which is neutral and polar, at codon 806 of the REST protein (p.His806Tyr). This variant is not present in population databases (gnomAD no frequency). This variant has not been reported in the literature in individuals affected with REST-related conditions. ClinVar contains an entry for this variant (Variation ID: 1444910). An algorithm developed to predict the effect of missense changes on protein structure and function (PolyPhen-2) suggests that this variant is likely to be tolerated. In summary, the available evidence is currently insufficient to determine the role of this variant in disease. Therefore, it has been classified as a Variant of Uncertain Significance.